The following is an entry in ClinVar:

ClinVar aggregate classification (germline): Likely benign (1 of 4 stars; one submission).

Conditions:
TUB-related disorder. Also called: TUB-related condition.

gnomAD v4.1: 10 of 1,541,060 alleles (0.00065%); highest among the groups gnomAD compares: Non-Finnish European, 0.00087%; no homozygotes.

Submission:

PreventionGenetics, part of Exact Sciences
Classification: Likely benign for TUB-related condition. Last evaluated: 2026-09-02. Review status: criteria provided, single submitter. Criteria: ACMG Guidelines, 2015. Collection method: clinical testing. Allele origin: germline.
Comment: This variant is classified as likely benign based on ACMG/AMP sequence variant interpretation guidelines (Richards et al. 2015 PMID: 25741868, with internal and published modifications).

NM_177972.3(TUB):c.38+7G>A

Gene: TUB (TUB bipartite transcription factor; plus strand). Cytogenetic location: 11p15.4.
Variant type: single nucleotide variant.
Coding change: c.38+7G>A on transcript NM_177972.3 (MANE Select); 7 bases into the intron after coding-DNA position 38, G replaced by A.
Molecular consequence: intron variant.
Genome position (GRCh38, 1-based): chr11:8,081,555, G>A. VCF-style: chr11-8081555-G-A. GRCh37 (hg19) VCF-style: chr11-8103102-G-A.
Other names: c.57-8055G>A (NM_001440538.1, NM_001440539.1, NM_001440540.1 and 1 more transcripts); c.204-8055G>A (NM_003320.5); c.38+7G>A (NM_001440541.1).
Identifiers: ClinVar variation 4981398 (VCV004981398.1).
Genomic context (GRCh38, chr11:8,081,555, plus strand): 5'-CCCGCCCCCGAGAGACATGACTTCCAAGCCGCATTCCGACTGGATTCCCTACAGGTACGC[G>A]GGCGCCGGGCCGGGGCGCCCACCACTCCCGACTCGGGACGTGAGCTGGCTGGGGATACGC-3'